The following is an entry in ClinVar:

NM_000038.6(APC):c.2715T>A (p.Ser905Arg)

Gene: APC (APC regulator of Wnt signaling pathway; plus strand). Cytogenetic location: 5q22.2.
Variant type: single nucleotide variant.
Coding change: c.2715T>A on transcript NM_000038.6 (MANE Select); coding-DNA position 2715, T replaced by A.
Protein change: p.Ser905Arg; replaces serine 905 with arginine.
Molecular consequence: missense variant. On other transcripts: non-coding transcript variant (2).
Genome position (GRCh38, 1-based): chr5:112,838,309, T>A. VCF-style: chr5-112838309-T-A. GRCh37 (hg19) VCF-style: chr5-112174006-T-A.
Other names: c.2715T>A, p.Ser905Arg (NM_001127510.3, NM_001354895.2, NM_001407450.1); c.2661T>A, p.Ser887Arg (NM_001127511.3); c.2769T>A, p.Ser923Arg (NM_001354896.2, NM_001407447.1, NM_001407448.1 and 1 more transcripts); c.2745T>A, p.Ser915Arg (NM_001354897.2); c.2640T>A, p.Ser880Arg (NM_001354898.2); c.2631T>A, p.Ser877Arg (NM_001354899.2); c.2592T>A, p.Ser864Arg (NM_001354900.2); c.2538T>A, p.Ser846Arg (NM_001354901.2, NM_001407453.1); and 11 more; short protein forms S521R, S745R, S804R, S880R, S887R, S905R, S846R, S877R.
Identifiers: ClinVar variation 2452720 (VCV002452720.2), dbSNP rs2149875887, ClinGen allele CA16027259.

ClinVar aggregate classification (germline): Uncertain significance (1 of 4 stars; one submission).

Conditions:
Hereditary cancer-predisposing syndrome. Also called: Neoplastic Syndromes, Hereditary; Tumor predisposition; Hereditary neoplastic syndrome; Hereditary Cancer Syndrome. Identifiers: Orphanet 140162, MedGen C0027672, MeSH D009386, MONDO:0015356.

Submission:

Ambry Genetics
Classification: Uncertain significance for Hereditary cancer-predisposing syndrome. Last evaluated: 2023-02-03. Review status: criteria provided, single submitter. Criteria: Ambry Variant Classification Scheme 2023. Collection method: clinical testing. Allele origin: germline.
Comment: The p.S905R variant (also known as c.2715T>A), located in coding exon 15 of the APC gene, results from a T to A substitution at nucleotide position 2715. The serine at codon 905 is replaced by arginine, an amino acid with dissimilar properties. This amino acid position is well conserved in available vertebrate species. In addition, in silico predictors for this gene do not accurately predict pathogenicity. Since supporting evidence is limited at this time, the clinical significance of this alteration remains unclear.